The following is an entry in ClinVar:

NM_207352.4(CYP4V2):c.413+6C>T

Gene: CYP4V2 (cytochrome P450 family 4 subfamily V member 2; plus strand). Cytogenetic location: 4q35.1.
Variant type: single nucleotide variant.
Coding change: c.413+6C>T on transcript NM_207352.4 (MANE Select); 6 bases into the intron after coding-DNA position 413, C replaced by T.
Molecular consequence: intron variant.
Genome position (GRCh38, 1-based): chr4:186,196,094, C>T. VCF-style: chr4-186196094-C-T. GRCh37 (hg19) VCF-style: chr4-187117248-C-T.
Identifiers: ClinVar variation 1482143 (VCV001482143.6), dbSNP rs1157927264, ClinGen allele CA557053566.
Genomic context (GRCh38, chr4:186,196,094, plus strand): 5'-AATCCTCTATGTACAAGTTTTTAGAACCATGGCTTGGCCTAGGACTTCTTACAAGGTATG[C>T]CAGTGTACCTTTGTAAAGCTGTCTATAGAAATGGTTACTTCTACGTGCAACTTGTTATTT-3'

ClinVar aggregate classification (germline): Uncertain significance (1 of 4 stars; one submission).

Allele frequency attached by ClinVar (database versions not stated): gnomAD exomes below 0.00001.
gnomAD v4.1: 1 of 1,607,930 alleles (0.000062%); highest among the groups gnomAD compares: Non-Finnish European, 0.000085%; no homozygotes.

Submission:

Labcorp Genetics (formerly Invitae), Labcorp
Classification: Uncertain significance. Last evaluated: 2022-07-06. Review status: criteria provided, single submitter. Criteria: Invitae Variant Classification Sherloc (09022015). Collection method: clinical testing. Allele origin: germline.
Comment: In summary, the available evidence is currently insufficient to determine the role of this variant in disease. Therefore, it has been classified as a Variant of Uncertain Significance. Variants that disrupt the consensus splice site are a relatively common cause of aberrant splicing (PMID: 17576681, 9536098). Algorithms developed to predict the effect of sequence changes on RNA splicing suggest that this variant may create or strengthen a splice site. ClinVar contains an entry for this variant (Variation ID: 1482143). This variant has not been reported in the literature in individuals affected with CYP4V2-related conditions. This variant is not present in population databases (gnomAD no frequency). This sequence change falls in intron 3 of the CYP4V2 gene. It does not directly change the encoded amino acid sequence of the CYP4V2 protein. It affects a nucleotide within the consensus splice site.

Literature cited by the submitters: PubMed 17576681; PubMed 9536098.